The following is an entry in ClinVar:

ClinVar aggregate classification (germline): Conflicting classifications of pathogenicity. Review status: criteria provided, conflicting classifications (1 of 4 stars). 3 submissions from 3 submitters: Uncertain significance (1); Likely benign (1). 1 of the submissions does not count toward it. Last evaluated 2026-08-05.

Conditions:
PMPCA-related disorder. Also called: PMPCA-related condition.

Allele frequency attached by ClinVar (database versions not stated): gnomAD 0.00011; ESP Exome Variant Server 0.00015; TOPMed 0.00020; gnomAD exomes 0.00037; ExAC 0.00028.

Submissions (3):

GeneDx
Classification: Uncertain significance. Last evaluated: 2026-08-05. Review status: criteria provided, single submitter. Criteria: GeneDx Variant Classification Process June 2021. Collection method: clinical testing. Allele origin: germline.
Comment: Has not been previously published as pathogenic or benign to our knowledge; In silico analysis supports that this missense variant has a deleterious effect on protein structure/function

Labcorp Genetics (formerly Invitae), Labcorp
Classification: Likely benign. Last evaluated: 2025-07-09. Review status: criteria provided, single submitter. Criteria: Invitae Variant Classification Sherloc (09022015). Collection method: clinical testing. Allele origin: germline.

PreventionGenetics, part of Exact Sciences
Classification: Likely benign for PMPCA-related condition. Last evaluated: 2022-02-16. Review status: no assertion criteria provided. Collection method: clinical testing. Allele origin: germline. Not counted in ClinVar's aggregate classification.
Comment: This variant is classified as likely benign based on ACMG/AMP sequence variant interpretation guidelines (Richards et al. 2015 PMID: 25741868, with internal and published modifications).

NM_015160.3(PMPCA):c.1514A>T (p.His505Leu)

Gene: PMPCA (peptidase, mitochondrial processing subunit alpha; plus strand). Cytogenetic location: 9q34.3.
Variant type: single nucleotide variant.
Coding change: c.1514A>T on transcript NM_015160.3 (MANE Select); coding-DNA position 1514, A replaced by T.
Protein change: p.His505Leu; replaces histidine 505 with leucine.
Molecular consequence: missense variant.
Genome position (GRCh38, 1-based): chr9:136,423,200, A>T. VCF-style: chr9-136423200-A-T. GRCh37 (hg19) VCF-style: chr9-139317652-A-T.
Other names: c.1121A>T, p.His374Leu (NM_001282944.2); c.1214A>T, p.His405Leu (NM_001282946.2); short protein forms H505L, H374L, H405L.
Identifiers: ClinVar variation 743255 (VCV000743255.11), dbSNP rs146286285, ClinGen allele CA5336573.
Genomic context (GRCh38, chr9:136,423,200, plus strand): 5'-TCCGAGGGAAGCCGGCAGTGGCCGCCCTGGGTGACCTGACTGACCTGCCCACGTATGAGC[A>T]CATCCAGACCGCCCTGTCGAGTAAGGACGGGCGCCTGCCCAGGACGTACCGGCTCTTCCG-3'
Protein context (NP_055975.1, residues 495-515): GDLTDLPTYE[His505Leu]IQTALSSKDG